The following is an entry in ClinVar:

NM_000059.4(BRCA2):c.4369T>C (p.Leu1457=)

Gene: BRCA2 (BRCA2 DNA repair associated; plus strand). Cytogenetic location: 13q13.1.
Variant type: single nucleotide variant.
Coding change: c.4369T>C on transcript NM_000059.4 (MANE Select); coding-DNA position 4369, T replaced by C.
Protein change: p.Leu1457=; no amino-acid change (leucine 1457 retained).
Molecular consequence: synonymous variant.
Genome position (GRCh38, 1-based): chr13:32,338,724, T>C. VCF-style: chr13-32338724-T-C. GRCh37 (hg19) VCF-style: chr13-32912861-T-C.
Identifiers: ClinVar variation 184611 (VCV000184611.23), dbSNP rs754004520, ClinGen allele CA020040.

ClinVar aggregate classification (germline): Likely benign. Review status: reviewed by expert panel (3 of 4 stars). 6 submissions from 6 submitters: Likely benign (1). 5 of the submissions do not count toward it. Last evaluated 2017-06-29.

Conditions:
Hereditary cancer-predisposing syndrome. Also called: Tumor predisposition; Hereditary Cancer Syndrome; Hereditary neoplastic syndrome; Neoplastic Syndromes, Hereditary. Identifiers: Orphanet 140162, MedGen C0027672, MeSH D009386, MONDO:0015356.
Hereditary breast ovarian cancer syndrome. Also called: Breast and ovarian cancer; Hereditary breast and ovarian cancer syndrome; Hereditary breast and ovarian cancer; BRCA1- and BRCA2-Associated Hereditary Breast and Ovarian Cancer; Hereditary breast and ovarian cancer syndrome (HBOC); Hereditary breast and/or ovarian cancer syndrome. Identifiers: Orphanet 145, MedGen C0677776, MeSH D061325, MONDO:0003582. Disease mechanism: loss of function.
Breast-ovarian cancer, familial, susceptibility to, 2 (BROVCA2). Also called: BRCA2 Hereditary Breast and Ovarian Cancer. Identifiers: Orphanet 145, MedGen C2675520, MONDO:0012933, OMIM 612555. Disease mechanism: loss of function.

Allele frequency attached by ClinVar (database versions not stated): gnomAD below 0.00001 and 0.00001; gnomAD exomes 0.00001; ExAC 0.00002.
gnomAD v4.1: 14 of 1,598,900 alleles (0.00088%); highest among the groups gnomAD compares: South Asian, 0.0011%; no homozygotes.

Submissions (6):

Evidence-based Network for the Interpretation of Germline Mutant Alleles (ENIGMA)
Classification: Likely benign for Breast-ovarian cancer, familial, susceptibility to, 2. Last evaluated: 2017-06-29. Review status: reviewed by expert panel. Criteria: ENIGMA BRCA1/2 Classification Criteria (2017-06-29). Collection method: curation. Allele origin: germline.
Comment: Synonymous substitution variant, with low bioinformatic likelihood to result in a splicing aberration (Splicing prior probability 0.02).

Labcorp Genetics (formerly Invitae), Labcorp
Classification: Likely benign for Hereditary breast ovarian cancer syndrome. Last evaluated: 2025-12-21. Review status: criteria provided, single submitter. Criteria: Invitae Variant Classification Sherloc (09022015). Collection method: clinical testing. Allele origin: germline. Not counted in ClinVar's aggregate classification.

All of Us Research Program, National Institutes of Health
Classification: Likely benign for Breast-ovarian cancer, familial, susceptibility to, 2. Last evaluated: 2023-11-28. Review status: criteria provided, single submitter. Criteria: ACMG Guidelines, 2015. Collection method: clinical testing. Allele origin: germline. Inheritance: Autosomal dominant inheritance. Observed: 2 variant alleles, 2 heterozygotes. Not counted in ClinVar's aggregate classification.
Comment: This study involves interpretation of variants in research participants for the purpose of population health screening. Participant phenotype was not available at the time of variant classification. Additional details can be found in publication PMID: 35346344, PMCID: PMC8962531

Ambry Genetics
Classification: Likely benign for Hereditary cancer-predisposing syndrome. Last evaluated: 2019-10-23. Review status: criteria provided, single submitter. Criteria: Ambry Variant Classification Scheme 2023. Collection method: clinical testing. Allele origin: germline. Not counted in ClinVar's aggregate classification.

Color Diagnostics, LLC DBA Color Health
Classification: Likely benign for Hereditary cancer-predisposing syndrome. Last evaluated: 2019-01-07. Review status: criteria provided, single submitter. Criteria: ACMG Guidelines, 2015. Collection method: clinical testing. Allele origin: germline. Not counted in ClinVar's aggregate classification.

GeneDx
Classification: Likely benign. Last evaluated: 2018-12-13. Review status: criteria provided, single submitter. Criteria: GeneDx Variant Classification Process June 2021. Collection method: clinical testing. Allele origin: germline. Affected: yes. Not counted in ClinVar's aggregate classification.